The following is an entry in ClinVar:

ClinVar aggregate classification (germline): Uncertain significance (1 of 4 stars; one submission).

Allele frequency attached by ClinVar (database versions not stated): TOPMed 0.00001.

Submission:

Labcorp Genetics (formerly Invitae), Labcorp
Classification: Uncertain significance. Last evaluated: 2022-09-20. Review status: criteria provided, single submitter. Criteria: Invitae Variant Classification Sherloc (09022015). Collection method: clinical testing. Allele origin: germline.
Comment: In summary, the available evidence is currently insufficient to determine the role of this variant in disease. Therefore, it has been classified as a Variant of Uncertain Significance. Variants that disrupt the consensus splice site are a relatively common cause of aberrant splicing (PMID: 17576681, 9536098). Algorithms developed to predict the effect of sequence changes on RNA splicing suggest that this variant is not likely to affect RNA splicing. This variant has not been reported in the literature in individuals affected with CFP-related conditions. This variant is not present in population databases (gnomAD no frequency). This sequence change falls in intron 5 of the CFP gene. It does not directly change the encoded amino acid sequence of the CFP protein. It affects a nucleotide within the consensus splice site.

Literature cited by the submitters: PubMed 17576681; PubMed 9536098.

NM_001145252.3(CFP):c.575-3C>T

Gene: CFP (complement factor properdin; minus strand). Cytogenetic location: Xp11.23.
Variant type: single nucleotide variant.
Coding change: c.575-3C>T on transcript NM_001145252.3 (MANE Select); 3 bases into the intron before coding-DNA position 575, C replaced by T.
Molecular consequence: intron variant.
Genome position (GRCh38, 1-based): chrX:47,627,335, G>A on the plus strand (C>T on the coding strand, the complement: CFP is on the minus strand). VCF-style: chrX-47627335-G-A. GRCh37 (hg19) VCF-style: chrX-47486734-G-A.
Other names: c.575-3C>T (NM_002621.2).
Identifiers: ClinVar variation 1972146 (VCV001972146.5), dbSNP rs2057973476, ClinGen allele CA2427988819.